The following is an entry in ClinVar:

NM_004990.4(MARS1):c.1090A>G (p.Lys364Glu)

Gene: MARS1 (methionyl-tRNA synthetase 1; plus strand). Cytogenetic location: 12q13.3.
Variant type: single nucleotide variant.
Coding change: c.1090A>G on transcript NM_004990.4 (MANE Select); coding-DNA position 1090, A replaced by G.
Protein change: p.Lys364Glu; replaces lysine 364 with glutamic acid.
Molecular consequence: missense variant.
Genome position (GRCh38, 1-based): chr12:57,498,622, A>G. VCF-style: chr12-57498622-A-G. GRCh37 (hg19) VCF-style: chr12-57892405-A-G.
Other names: short protein forms K364E.
Identifiers: ClinVar variation 3751641 (VCV003751641.2).

ClinVar aggregate classification (germline): Uncertain significance (1 of 4 stars; one submission).

Conditions:
Severe early-onset pulmonary alveolar proteinosis due to MARS deficiency. Also called: Interstitial lung and liver disease; PULMONARY ALVEOLAR PROTEINOSIS, REUNION ISLAND. Identifiers: Orphanet 440427, MedGen C4225400, MONDO:0014206, OMIM 615486.
Charcot-Marie-Tooth disease axonal type 2U. Also called: CHARCOT-MARIE-TOOTH NEUROPATHY, TYPE 2U; CHARCOT-MARIE-TOOTH DISEASE, AXONAL, AUTOSOMAL DOMINANT, TYPE 2U. Identifiers: Orphanet 397735, MedGen C4084821, MONDO:0014566, OMIM 616280.

Submission:

Labcorp Genetics (formerly Invitae), Labcorp
Classification: Uncertain significance for Charcot-Marie-Tooth disease axonal type 2U; Severe early-onset pulmonary alveolar proteinosis due to MARS deficiency. Last evaluated: 2024-05-21. Review status: criteria provided, single submitter. Criteria: Invitae Variant Classification Sherloc (09022015). Collection method: clinical testing. Allele origin: germline.
Comment: This sequence change replaces lysine, which is basic and polar, with glutamic acid, which is acidic and polar, at codon 364 of the MARS protein (p.Lys364Glu). This variant is not present in population databases (gnomAD no frequency). This variant has not been reported in the literature in individuals affected with MARS-related conditions. Algorithms developed to predict the effect of missense changes on protein structure and function output the following: SIFT: "Not Available"; PolyPhen-2: "Benign"; Align-GVGD: "Not Available". The glutamic acid amino acid residue is found in multiple mammalian species, which suggests that this missense change does not adversely affect protein function. In summary, the available evidence is currently insufficient to determine the role of this variant in disease. Therefore, it has been classified as a Variant of Uncertain Significance.